The following is an entry in ClinVar:

ClinVar aggregate classification (germline): Pathogenic. Review status: reviewed by expert panel (3 of 4 stars). 7 submissions from 7 submitters: Pathogenic (1). 6 of the submissions do not count toward it. Last evaluated 2019-05-10.

Conditions:
BRAF-related disorder. Also called: BRAF-related condition.
Noonan syndrome and Noonan-related syndrome. Identifiers: Orphanet 98733, MedGen C5681679, MONDO:0020297.
Cardiofaciocutaneous syndrome 1 (CFC1). Also called: BRAF-Related Cardiofaciocutaneous Syndrome. Identifiers: Orphanet 1340, MedGen CN029449, MONDO:0007265, OMIM 115150. Disease mechanism: gain of function.
Noonan syndrome 1 (NS1). Also called: PTPN11-Related Noonan Syndrome; TURNER PHENOTYPE WITH NORMAL KARYOTYPE; FEMALE PSEUDO-TURNER SYNDROME. Identifiers: Orphanet 648, MedGen C4551602, MONDO:0008104, OMIM 163950. Disease mechanism: gain of function.
RASopathy. Also called: rasopathies; Noonan spectrum disorder. Identifiers: Orphanet 536391, MedGen C5555857, MONDO:0021060.
Noonan syndrome (NS). Also called: Noonan's syndrome. Identifiers: Orphanet 648, MedGen C0028326, MeSH D009634, MONDO:0018997. Disease mechanism: gain of function.
Noonan syndrome 7 (NS7). Also called: BRAF-Related Noonan Syndrome. Identifiers: Orphanet 648, MedGen C3150970, MONDO:0013379, OMIM 613706.

Submissions (7):

ClinGen RASopathy Variant Curation Expert Panel
Classification: Pathogenic for Noonan syndrome and Noonan-related syndrome. Last evaluated: 2019-05-10. Review status: reviewed by expert panel. Criteria: ClinGen RASopathy ACMG Specifications v1. Collection method: curation. Allele origin: germline. Inheritance: Autosomal dominant inheritance.
Comment: The c.739T>C (p.Phe247Leu) variant in BRAF has been reported in the literature as an unconfirmed de novo occurrence in a patient with clinical features of a RASopathy (PM6; GeneDx internal data; GTR Lab ID: 26957; ClinVar SCV000207748.12). This variant was absent from large population studies (PM2; gnomAD). In vitro functional studies provide some evidence that the p.Phe247Leu variant may impact protein function (PS3; PMID: 28512244). The c.739T>C variant results in the same amino acid change as the previously established pathogenic c.741T>G (p.Phe247Leu) variant (PS1; ClinVar ID 55793). Furthermore, the variant is in a location that has been defined by the ClinGen RASopathy Expert Panel to be a mutational hotspot or domain of BRAF (PM1; PMID 29493581). The variant is located in the BRAF gene, which has been defined by the ClinGen RASopathy Expert Panel as a gene with a low rate of benign missense variants and pathogenic missense variants are common (PP2; PMID: 29493581). Computational prediction tools and conservation analysis suggest that the p.Phe247Leu variant may impact the protein (PP3). In summary, this variant meets criteria to be classified as pathogenic for RASopathies in an autosomal dominant manner. Rasopathy-specific ACMG/AMP criteria applied (PMID:29493581): PM6, PM2, PS3, PS1, PM1, PP2, PP3.

3billion
Classification: Pathogenic for Noonan syndrome 7. Last evaluated: 2025-12-08. Review status: criteria provided, single submitter. Criteria: ACMG Guidelines, 2015. Collection method: clinical testing. Allele origin: germline. Affected: yes. Not counted in ClinVar's aggregate classification.
Comment: The variant is not observed in the gnomAD v4.1.0 dataset. Predicted Consequence/Location: The variant is located in a mutational hot spot and/or well-established functional domain in which established pathogenic variants have been reported (PMID: 29493581). Missense variant. Missense changes are a common disease-causing mechanism. Functional studies provide strong evidence of the variant having a damaging effect on the gene or gene product (PMID: 28512244). In silico tool predictions suggest damaging effect of the variant on gene or gene product [REVEL: 0.90 (>=0.6, sensitivity 0.68 and specificity 0.92); 3Cnet: 1.00 (> 0.75, sensitivity 0.96 and precision 0.92)]. The same nucleotide change resulting in the same amino acid change has been previously reported as pathogenic/likely pathogenic with strong evidence (ClinVar ID: VCV000180784 /PMID: 33128510 /3billion dataset). The variant has been previously reported as assumed (i.e. paternity and maternity not confirmed) de novo in at least one similarly affected unrelated individual (PMID: 20774). Different missense changes at the same codon (p.Phe247Cys, p.Phe247Ser, p.Phe247Val) have been reported as pathogenic/likely pathogenic with strong evidence (ClinVar ID: VCV000040349, VCV000044830, VCV002780125). Therefore, this variant is classified as Pathogenic according to the recommendation of ACMG/AMP guideline.

Labcorp Genetics (formerly Invitae), Labcorp
Classification: Pathogenic for RASopathy. Last evaluated: 2024-05-09. Review status: criteria provided, single submitter. Criteria: Invitae Variant Classification Sherloc (09022015). Collection method: clinical testing. Allele origin: germline. Not counted in ClinVar's aggregate classification.
Comment: This sequence change replaces phenylalanine, which is neutral and non-polar, with leucine, which is neutral and non-polar, at codon 247 of the BRAF protein (p.Phe247Leu). This variant is not present in population databases (gnomAD no frequency). This missense change has been observed in individual(s) with clinical features of BRAF-related conditions (Invitae). In at least one individual the variant was observed to be de novo. ClinVar contains an entry for this variant (Variation ID: 180784). Advanced modeling performed at Invitae incorporating data from internal and/or published experimental studies (Invitae) indicates that this missense variant is expected to disrupt BRAF function with a positive predictive value of 95%. Experimental studies have shown that this missense change affects BRAF function (PMID: 2851224). For these reasons, this variant has been classified as Pathogenic.

Genomic Medicine Center of Excellence, King Faisal Specialist Hospital and Research Centre
Classification: Pathogenic for Cardiofaciocutaneous syndrome 1. Last evaluated: 2024-04-04. Review status: criteria provided, single submitter. Criteria: ACMG Guidelines, 2015. Collection method: clinical testing. Allele origin: germline. Not counted in ClinVar's aggregate classification.

GeneDx
Classification: Pathogenic. Last evaluated: 2022-01-14. Review status: criteria provided, single submitter. Criteria: GeneDx Variant Classification Process June 2021. Collection method: clinical testing. Allele origin: germline. Affected: yes. Not counted in ClinVar's aggregate classification.
Comment: Published functional studies demonstrate MAPK activation (Lu et al., 2017); Not observed in large population cohorts (gnomAD); In silico analysis supports that this missense variant has a deleterious effect on protein structure/function; Missense variants in this gene are often considered pathogenic (HGMD); This variant is associated with the following publications: (PMID: 16474404, 26243863, 28512244, 28676128, 33128510, 33040082, 24957944, 15488754, 16439621, 15520807, 17603483, 29493581)

Blueprint Genetics
Classification: Pathogenic for BRAF-related disorders. Last evaluated: 2021-12-14. Review status: criteria provided, single submitter. Criteria: ACMG Guidelines, 2015. Collection method: clinical testing. Allele origin: germline. Affected: yes. Observed: 1 variant allele. Not counted in ClinVar's aggregate classification.

Service de Génétique Moléculaire, Hôpital Robert Debré
Classification: Likely pathogenic for Noonan syndrome. Review status: no assertion criteria provided. Collection method: clinical testing. Allele origin: de novo. Affected: yes. Observed: 1 variant allele. Not counted in ClinVar's aggregate classification.

Literature cited by the submitters: PubMed 28512244 (cited by ClinGen RASopathy Variant Curation Expert Panel and 3billion); PubMed 20774 (cited by 3billion); PubMed 33128510 (cited by 3billion); PubMed 2851224 (cited by Labcorp Genetics (formerly Invitae), Labcorp).

NM_004333.6(BRAF):c.739T>C (p.Phe247Leu)

Gene: BRAF (B-Raf proto-oncogene, serine/threonine kinase; minus strand). Cytogenetic location: 7q34.
Variant type: single nucleotide variant.
Coding change: c.739T>C on transcript NM_004333.6 (MANE Select); coding-DNA position 739, T replaced by C.
Protein change: p.Phe247Leu; replaces phenylalanine 247 with leucine.
Molecular consequence: missense variant.
Genome position (GRCh38, 1-based): chr7:140,801,533, A>G on the plus strand (T>C on the coding strand, the complement: BRAF is on the minus strand). VCF-style: chr7-140801533-A-G. GRCh37 (hg19) VCF-style: chr7-140501333-A-G.
Other names: p.F247L:TTT>CTT; NM_004333.4(BRAF):c.739T>C; c.748T>C, p.Phe250Leu (NM_001378467.1); c.739T>C, p.Phe247Leu (NM_001378468.1, NM_001378469.1, NM_001378471.1 and 4 more transcripts); c.637T>C, p.Phe213Leu (NM_001378470.1); c.583T>C, p.Phe195Leu (NM_001378472.1, NM_001378473.1); c.475T>C, p.Phe159Leu (NM_001378475.1); short protein forms F247L, F159L, F195L, F213L, F250L.
Identifiers: ClinVar variation 180784 (VCV000180784.21), dbSNP rs397516903, ClinGen allele CA295904.